The following is an entry in ClinVar:

NM_182914.3(SYNE2):c.589A>T (p.Thr197Ser)

Gene: SYNE2 (spectrin repeat containing nuclear envelope protein 2; plus strand). Cytogenetic location: 14q23.2.
Variant type: single nucleotide variant.
Coding change: c.589A>T on transcript NM_182914.3 (MANE Select); coding-DNA position 589, A replaced by T.
Protein change: p.Thr197Ser; replaces threonine 197 with serine.
Molecular consequence: missense variant.
Genome position (GRCh38, 1-based): chr14:63,950,005, A>T. VCF-style: chr14-63950005-A-T. GRCh37 (hg19) VCF-style: chr14-64416723-A-T.
Other names: c.589A>T, p.Thr197Ser (NM_015180.6); short protein forms T197S.
Identifiers: ClinVar variation 2644278 (VCV002644278.24), dbSNP rs1209168203, ClinGen allele CA389939687.

ClinVar aggregate classification (germline): Likely benign (1 of 4 stars; one submission).

gnomAD v4.1: 1 of 1,614,074 alleles (0.000062%); highest among the groups gnomAD compares: South Asian, 0.0011%; no homozygotes.

Submission:

CeGaT Center for Human Genetics Tuebingen
Classification: Likely benign. Last evaluated: 2023-10-01. Review status: criteria provided, single submitter. Criteria: CeGaT Center For Human Genetics Tuebingen Variant Classification Criteria Version 2. Collection method: clinical testing. Allele origin: germline. Affected: yes. Observed: 1 variant allele.
Comment: SYNE2: BP4, BS2